The following is an entry in ClinVar:

NM_001297595.2(SIN3B):c.2955-7C>T

Gene: SIN3B (SIN3 transcription regulator family member B; plus strand). Cytogenetic location: 19p13.11.
Variant type: single nucleotide variant.
Coding change: c.2955-7C>T on transcript NM_001297595.2 (MANE Select); 7 bases into the intron before coding-DNA position 2955, C replaced by T.
Molecular consequence: intron variant.
Genome position (GRCh38, 1-based): chr19:16,878,176, C>T. VCF-style: chr19-16878176-C-T. GRCh37 (hg19) VCF-style: chr19-16988987-C-T.
Other names: c.3051-7C>T (NM_015260.4); c.1725-7C>T (NM_001297597.2).
Identifiers: ClinVar variation 3042581 (VCV003042581.2), dbSNP rs561744282, ClinGen allele CA9283645.
Genomic context (GRCh38, chr19:16,878,176, plus strand): 5'-CCAGCCTGCAAATCCTCCTCCCACAATGCCGAGAGCCAGAGTCCATTCCACCTCCTTTCG[C>T]CCCCAGGAACCTCAAGAAGTTCCGCCGCCGGTGGCAGAGCGAGCAGGCGCGGGCCCTGCG-3'

ClinVar aggregate classification (germline): Likely benign (0 of 4 stars; one submission).

Conditions:
SIN3B-related disorder. Also called: SIN3B-related condition.

Allele frequency attached by ClinVar (database versions not stated): TOPMed 0.00002; gnomAD 0.00018; gnomAD exomes 0.00022; 1000 Genomes Project 30x 0.00094; 1000 Genomes Project 0.00100; ExAC 0.00169.
gnomAD v4.1: 332 of 1,556,768 alleles (0.021%); highest among the groups gnomAD compares: South Asian, 0.37%; 1 homozygote.

Submission:

PreventionGenetics, part of Exact Sciences
Classification: Likely benign for SIN3B-related condition. Last evaluated: 2019-06-27. Review status: no assertion criteria provided. Collection method: clinical testing. Allele origin: germline.
Comment: This variant is classified as likely benign based on ACMG/AMP sequence variant interpretation guidelines (Richards et al. 2015 PMID: 25741868, with internal and published modifications).